The following is an entry in ClinVar:

ClinVar aggregate classification (germline): Likely pathogenic (1 of 4 stars; one submission).

Conditions:
Nephronophthisis 15 (NPHP15). Identifiers: Orphanet 3156, MedGen C3541853, MONDO:0013917, OMIM 614845.

Submission:

Centre for Mendelian Genomics, University Medical Centre Ljubljana
Classification: Likely pathogenic for Nephronophthisis 15. Last evaluated: 2019-01-22. Review status: criteria provided, single submitter. Criteria: ACMG Guidelines, 2015. Collection method: clinical testing. Allele origin: unknown. Affected: yes.
Comment: This variant was classified as: Likely pathogenic. The following ACMG criteria were applied in classifying this variant: PVS1,PM2.

NM_014956.5(CEP164):c.276T>G (p.Tyr92Ter)

Gene: CEP164 (centrosomal protein 164; plus strand). Cytogenetic location: 11q23.3.
Variant type: single nucleotide variant.
Coding change: c.276T>G on transcript NM_014956.5 (MANE Select); coding-DNA position 276, T replaced by G.
Protein change: p.Tyr92Ter; replaces tyrosine 92 with a stop codon.
Molecular consequence: nonsense.
Genome position (GRCh38, 1-based): chr11:117,351,871, T>G. VCF-style: chr11-117351871-T-G. GRCh37 (hg19) VCF-style: chr11-117222587-T-G.
Other names: c.276T>G, p.Tyr92Ter (NM_001271933.2); short protein forms Y92*.
Identifiers: ClinVar variation 930259 (VCV000930259.3), dbSNP rs373403222, ClinGen allele CA382725851.
Genomic context (GRCh38, chr11:117,351,871, plus strand): 5'-TTACTATTTCAACTTCGCCAACGGGCAGTCTATGTGGGACCATCCATGTGACGAACACTA[T>G]CGGAGCTTGGTGATCCAAGAGCGGGCAAAGCTGTCAACTTCTGGGGCCATTAAGAAGAAG-3'